The following is an entry in ClinVar:

ClinVar aggregate classification (germline): Benign/Likely benign. Review status: criteria provided, multiple submitters, no conflicts (2 of 4 stars). 4 submissions from 4 submitters: Benign (3); Likely benign (1). Last evaluated 2026-02-04.

Conditions:
Cone-rod dystrophy 20 (CORD20). Identifiers: Orphanet 1872, MedGen C4014856, MONDO:0014427, OMIM 615973.

Submissions (12):

Labcorp Genetics (formerly Invitae), Labcorp
Classification: Benign. Last evaluated: 2026-02-04. Review status: criteria provided, single submitter. Criteria: Invitae Variant Classification Sherloc (09022015). Collection method: clinical testing. Allele origin: germline.

Blueprint Genetics
Classification: Likely benign. Last evaluated: 2024-11-27. Review status: criteria provided, single submitter. Criteria: ACMG Guidelines, 2015. Collection method: clinical testing. Allele origin: germline.

Genome-Nilou Lab
Classification: Benign for Cone-rod dystrophy 20. Last evaluated: 2021-10-25. Review status: criteria provided, single submitter. Criteria: ACMG Guidelines, 2015. Collection method: clinical testing. Allele origin: germline. Affected: no.

GeneDx
Classification: Benign. Last evaluated: 2018-06-11. Review status: criteria provided, single submitter. Criteria: GeneDx Variant Classification (06012015). Collection method: clinical testing. Allele origin: germline. Affected: yes.
Comment: This variant is considered likely benign or benign based on one or more of the following criteria: it is a conservative change, it occurs at a poorly conserved position in the protein, it is predicted to be benign by multiple in silico algorithms, and/or has population frequency not consistent with disease.

Dr. Peter K. Rogan Lab, Western University
No classification provided (evidence only). Condition: Acute myeloid leukemia. Review status: no classification provided. Collection method: in vitro. Allele origin: not applicable. Functional consequence: retained intron. Not counted in ClinVar's aggregate classification.

Dr. Peter K. Rogan Lab, Western University
No classification provided (evidence only). Condition: Acute myeloid leukemia. Review status: no classification provided. Collection method: in vitro. Allele origin: not applicable. Functional consequence: retained intron. Not counted in ClinVar's aggregate classification.

Dr. Peter K. Rogan Lab, Western University
No classification provided (evidence only). Condition: Acute myeloid leukemia. Review status: no classification provided. Collection method: in vitro. Allele origin: not applicable. Functional consequence: retained intron. Not counted in ClinVar's aggregate classification.

Dr. Peter K. Rogan Lab, Western University
No classification provided (evidence only). Condition: Acute myeloid leukemia. Review status: no classification provided. Collection method: in vitro. Allele origin: not applicable. Functional consequence: retained intron. Not counted in ClinVar's aggregate classification.

Dr. Peter K. Rogan Lab, Western University
No classification provided (evidence only). Condition: Cervical cancer. Review status: no classification provided. Collection method: in vitro. Allele origin: not applicable. Functional consequence: retained intron. Not counted in ClinVar's aggregate classification.

Dr. Peter K. Rogan Lab, Western University
No classification provided (evidence only). Condition: Cholangiocarcinoma. Review status: no classification provided. Collection method: in vitro. Allele origin: not applicable. Functional consequence: retained intron. Not counted in ClinVar's aggregate classification.

Dr. Peter K. Rogan Lab, Western University
No classification provided (evidence only). Condition: Cholangiocarcinoma. Review status: no classification provided. Collection method: in vitro. Allele origin: not applicable. Functional consequence: retained intron. Not counted in ClinVar's aggregate classification.

Dr. Peter K. Rogan Lab, Western University
No classification provided (evidence only). Condition: Cholangiocarcinoma. Review status: no classification provided. Collection method: in vitro. Allele origin: not applicable. Functional consequence: retained intron. Not counted in ClinVar's aggregate classification.

NM_172240.3(POC1B):c.453-12_453-3del

Genes: POC1B (POC1 centriolar protein B; minus strand), POC1B-DUSP6 (POC1B-DUSP6 readthrough; minus strand). Cytogenetic location: 12q21.33.
Variant type: Microsatellite.
Coding change: c.453-12_453-3del on transcript NM_172240.3 (MANE Select); 12 bases into the intron before coding-DNA position 453 through 3 bases into the intron before coding-DNA position 453, 10 bases deleted (TCTTCTTTCT; older notation c.453-12_453-3delTCTTCTTTCT).
Molecular consequence: intron variant.
Genome position (GRCh38, 1-based): chr12:89,472,278-89,472,287, AGAAAGAAGA deleted on the plus strand (TCTTCTTTCT on the coding strand, the reverse complement: POC1B is on the minus strand); deleting any 10 consecutive bases within chr12:89,472,278-89,472,297 gives the same sequence; the c. name uses the placement nearest the transcript's 3' end. VCF-style (leftmost placement, unchanged base first): chr12-89472277-TAGAAAGAAGA-T. GRCh37 (hg19) VCF-style: chr12-89866054-TAGAAAGAAGA-T.
Other names: NC_000012.11:g.89866065_89866074del; c.453-22_453-13del (NM_172240.3); c.327-12_327-3del (NM_001199777.2).
Identifiers: ClinVar variation 677291 (VCV000677291.14), dbSNP rs59139895, ClinGen allele CA6714499.
Genomic context (GRCh38, chr12:89,472,277, plus strand): 5'-AAATTTTAATAGTTTTATCCTCACTACATGACACAATTAGTCTTCCATCGGGTGAAAATC[TAGAAAGAAGA>T]AGAAAGAAGATGTTTTATGTGAAAGGCTCTGGAGAGTCACCACCTCACCTCTACACCACA-3'